The following is an entry in ClinVar:

NM_000051.4(ATM):c.3637C>T (p.His1213Tyr)

Gene: ATM (ATM serine/threonine kinase; plus strand). Cytogenetic location: 11q22.3.
Variant type: single nucleotide variant.
Coding change: c.3637C>T on transcript NM_000051.4 (MANE Select); coding-DNA position 3637, C replaced by T.
Protein change: p.His1213Tyr; replaces histidine 1213 with tyrosine.
Molecular consequence: missense variant.
Genome position (GRCh38, 1-based): chr11:108,282,770, C>T. VCF-style: chr11-108282770-C-T. GRCh37 (hg19) VCF-style: chr11-108153497-C-T.
Other names: c.3637C>T, p.His1213Tyr (NM_001351834.2); short protein forms H1213Y.
Identifiers: ClinVar variation 418718 (VCV000418718.8), dbSNP rs1064793387, ClinGen allele CA16619164.

ClinVar aggregate classification (germline): Uncertain significance. Review status: criteria provided, multiple submitters, no conflicts (2 of 4 stars). 3 submissions from 3 submitters: Uncertain significance (3). Last evaluated 2022-09-18.

Conditions:
Hereditary cancer-predisposing syndrome. Also called: Hereditary neoplastic syndrome; Tumor predisposition; Neoplastic Syndromes, Hereditary; Hereditary Cancer Syndrome. Identifiers: Orphanet 140162, MedGen C0027672, MeSH D009386, MONDO:0015356.

Submissions (3):

Ambry Genetics
Classification: Uncertain significance for Hereditary cancer-predisposing syndrome. Last evaluated: 2022-09-18. Review status: criteria provided, single submitter. Criteria: Ambry Variant Classification Scheme 2023. Collection method: clinical testing. Allele origin: germline.
Comment: The p.H1213Y variant (also known as c.3637C>T), located in coding exon 24 of the ATM gene, results from a C to T substitution at nucleotide position 3637. The histidine at codon 1213 is replaced by tyrosine, an amino acid with similar properties. This amino acid position is conserved. In addition, this alteration is predicted to be deleterious by in silico analysis. Since supporting evidence is limited at this time, the clinical significance of this alteration remains unclear.

Institute for Clinical Genetics, University Hospital TU Dresden, University Hospital TU Dresden
Classification: Uncertain significance. Last evaluated: 2021-11-03. Review status: criteria provided, single submitter. Criteria: ACMG Guidelines, 2015. Collection method: clinical testing. Allele origin: germline.

GeneDx
Classification: Uncertain significance. Last evaluated: 2015-03-17. Review status: criteria provided, single submitter. Criteria: GeneDx Variant Classification (06012015). Collection method: clinical testing. Allele origin: germline. Affected: yes.
Comment: This variant is denoted ATM c.3637C>T at the cDNA level, p.His1213Tyr (H1213Y) at the protein level, and results in the change of a Histidine to a Tyrosine (CAT>TAT). This variant has not, to our knowledge, been published in the literature as pathogenic or benign. ATM His1213Tyr was not observed in approximately 6,500 individuals of European and African American ancestry in the NHLBI Exome Sequencing Project, indicating it is not a common benign variant in these populations. Since Histidine and Tyrosine differ in polarity, charge, size or other properties, this is considered a non-conservative amino acid substitution. ATM His1213Tyr occurs at a position that is well conserved across species and is located in the beta-adaptin interaction domain (Tavtigian 2009). In silico analyses are inconsistent regarding the effect this variant may have on protein structure and function. Based on currently available information, it is unclear whether ATM His1213Tyr is pathogenic or benign. We consider it to be a variant of uncertain significance.